The following is an entry in ClinVar:

NM_004608.4(TBX6):c.704dup (p.Met236fs)

Gene: TBX6 (T-box transcription factor 6; minus strand). Cytogenetic location: 16p11.2.
Variant type: Duplication.
Coding change: c.704dup on transcript NM_004608.4 (MANE Select); coding-DNA position 704, one base duplicated (G; older notation c.704dupG).
Protein change: p.Met236fs; shifts the reading frame from methionine 236.
Molecular consequence: frameshift variant.
Genome position (GRCh38, 1-based): chr16:30,088,757, C duplicated on the plus strand (G on the coding strand, the reverse complement: TBX6 is on the minus strand); the first of 7 consecutive C bases (chr16:30,088,757-30,088,763); duplicating any one gives the same sequence. VCF-style (leftmost placement, unchanged base first): chr16-30088756-G-GC. GRCh37 (hg19) VCF-style: chr16-30100077-G-GC.
Other names: c.704dupG (NM_004608.3); short protein forms M236fs.
Identifiers: ClinVar variation 243053 (VCV000243053.1), dbSNP rs758051786, ClinGen allele CA8001831.

ClinVar aggregate classification (germline): Pathogenic (1 of 4 stars; one submission).

Conditions:
Spondylocostal dysostosis 5 (SCDO5). Also called: SCOLIOSIS, CONGENITAL, WITH OR WITHOUT RIB ANOMALIES. Identifiers: MedGen C4083048, MONDO:0007389, OMIM 122600.

Submission:

Lupski Lab, Baylor-Hopkins CMG, Baylor College of Medicine
Classification: Pathogenic for Spondylocostal dysostosis 5. Last evaluated: 2015-11-15. Review status: criteria provided, single submitter. Criteria: Wu et al. (N Engl J Med. 2015). Collection method: research. Allele origin: germline. Inheritance: Other. Affected: yes. Observed: 1 variant allele, 1 compound heterozygote.
Comment: The variant was found to be in trans with a high-risk TBX6 haplotype, T-C-A (rs2289292, rs3809624, rs3809627).

Literature cited by the submitters: PubMed 23335591.